The following is an entry in ClinVar:

NM_000238.4(KCNH2):c.2765G>T (p.Arg922Leu)

Gene: KCNH2 (potassium voltage-gated channel subfamily H member 2; minus strand). Cytogenetic location: 7q36.1.
Variant type: single nucleotide variant.
Coding change: c.2765G>T on transcript NM_000238.4 (MANE Select); coding-DNA position 2765, G replaced by T.
Protein change: p.Arg922Leu; replaces arginine 922 with leucine.
Molecular consequence: missense variant.
Genome position (GRCh38, 1-based): chr7:150,947,806, C>A on the plus strand (G>T on the coding strand, the complement: KCNH2 is on the minus strand). VCF-style: chr7-150947806-C-A. GRCh37 (hg19) VCF-style: chr7-150644894-C-A.
Other names: c.1745G>T, p.Arg582Leu (NM_172057.3); short protein forms R582L, R922L.
Identifiers: ClinVar variation 924058 (VCV000924058.7), dbSNP rs199473439, ClinGen allele CA369853438.
Genomic context (GRCh38, chr7:150,947,806, plus strand): 5'-TCACTGCTCTCAGGGCTGGAGGGGCCACTGGACGGGCTCTCCCCCCACGGCCCCCCCGGC[C>A]GGCCCCGGCTACTCGGCCCTGCCCCCGCCCGGCCCGGCCCCAAGGCCGACACCTCCCCTG-3'
Protein context (NP_000229.1, residues 912-932): RAGAGPSSRG[Arg922Leu]PGGPWGESPS

ClinVar aggregate classification (germline): Uncertain significance. Review status: criteria provided, multiple submitters, no conflicts (2 of 4 stars). 2 submissions from 2 submitters: Uncertain significance (2). Last evaluated 2025-10-06.

Conditions:
Long QT syndrome (LQTS). Identifiers: MedGen C0023976, MeSH D008133, MONDO:0002442. Disease mechanism: loss of function. Inheritance: Various modes of inheritance.
Cardiac arrhythmia. Also called: Arrhythmia; Cardiac rhythm disease. Identifiers: MedGen C0003811, MONDO:0007263, HP:0011675.

Allele frequency attached by ClinVar (database versions not stated): TOPMed 0.00001.

Submissions (2):

Labcorp Genetics (formerly Invitae), Labcorp
Classification: Uncertain significance for Long QT syndrome. Last evaluated: 2025-10-06. Review status: criteria provided, single submitter. Criteria: Invitae Variant Classification Sherloc (09022015). Collection method: clinical testing. Allele origin: germline.
Comment: This sequence change replaces arginine, which is basic and polar, with leucine, which is neutral and non-polar, at codon 922 of the KCNH2 protein (p.Arg922Leu). This variant is not present in population databases (gnomAD no frequency). This variant has not been reported in the literature in individuals affected with KCNH2-related conditions. ClinVar contains an entry for this variant (Variation ID: 924058). An algorithm developed to predict the effect of missense changes on protein structure and function (PolyPhen-2) suggests that this variant is likely to be tolerated. In summary, the available evidence is currently insufficient to determine the role of this variant in disease. Therefore, it has been classified as a Variant of Uncertain Significance.

Color Diagnostics, LLC DBA Color Health
Classification: Uncertain significance for Cardiac arrhythmia. Last evaluated: 2019-11-04. Review status: criteria provided, single submitter. Criteria: ACMG Guidelines, 2015. Collection method: clinical testing. Allele origin: germline.
Comment: This missense variant replaces arginine with leucine at codon 922 of the KCNH2 protein. Computational prediction is inconclusive regarding the impact of this variant on protein structure and function (internally defined REVEL score threshold 0.5 < inconclusive < 0.7, PMID: 27666373). Splice site prediction tools suggest that this variant may not impact RNA splicing. To our knowledge, functional studies have not been performed for this variant. This variant has not been reported in individuals affected with cardiovascular disorders in the literature. This variant has not been identified in the general population by the Genome Aggregation Database (gnomAD). The available evidence is insufficient to determine the role of this variant in disease conclusively. Therefore, this variant is classified as a Variant of Uncertain Significance.